The following is an entry in ClinVar:

NM_003062.4(SLIT3):c.937C>T (p.Arg313Cys)

Gene: SLIT3 (slit guidance ligand 3; minus strand). Cytogenetic location: 5q34.
Variant type: single nucleotide variant.
Coding change: c.937C>T on transcript NM_003062.4 (MANE Select); coding-DNA position 937, C replaced by T.
Protein change: p.Arg313Cys; replaces arginine 313 with cysteine.
Molecular consequence: missense variant.
Genome position (GRCh38, 1-based): chr5:168,795,577, G>A on the plus strand (C>T on the coding strand, the complement: SLIT3 is on the minus strand). VCF-style: chr5-168795577-G-A. GRCh37 (hg19) VCF-style: chr5-168222582-G-A.
Other names: c.937C>T, p.Arg313Cys (NM_001271946.2); short protein forms R313C.
Identifiers: ClinVar variation 3046000 (VCV003046000.2), dbSNP rs143425660, ClinGen allele CA3551928.

ClinVar aggregate classification (germline): Likely benign (0 of 4 stars; one submission).

Conditions:
SLIT3-related disorder. Also called: SLIT3-related condition.

Allele frequency attached by ClinVar (database versions not stated): TOPMed 0.00027; ExAC 0.00038; gnomAD 0.00038; gnomAD exomes 0.00042; ESP Exome Variant Server 0.00046.
gnomAD v4.1: 659 of 1,612,700 alleles (0.041%); highest among the groups gnomAD compares: Non-Finnish European, 0.042%; no homozygotes.

Submission:

PreventionGenetics, part of Exact Sciences
Classification: Likely benign for SLIT3-related condition. Last evaluated: 2023-04-25. Review status: no assertion criteria provided. Collection method: clinical testing. Allele origin: germline.
Comment: This variant is classified as likely benign based on ACMG/AMP sequence variant interpretation guidelines (Richards et al. 2015 PMID: 25741868, with internal and published modifications).